The following is an entry in ClinVar:

NM_058179.4(PSAT1):c.296C>T (p.Ala99Val)

Gene: PSAT1 (phosphoserine aminotransferase 1; plus strand). Cytogenetic location: 9q21.2.
Variant type: single nucleotide variant.
Coding change: c.296C>T on transcript NM_058179.4 (MANE Select); coding-DNA position 296, C replaced by T.
Protein change: p.Ala99Val; replaces alanine 99 with valine.
Molecular consequence: missense variant.
Genome position (GRCh38, 1-based): chr9:78,304,839, C>T. VCF-style: chr9-78304839-C-T. GRCh37 (hg19) VCF-style: chr9-80919755-C-T.
Other names: c.296C>T (NM_058179.3, NM_058179.2); c.296C>T, p.Ala99Val (NM_021154.5); short protein forms A99V.
Identifiers: ClinVar variation 156364 (VCV000156364.15), dbSNP rs587777778, ClinGen allele CA170850.

ClinVar aggregate classification (germline): Conflicting classifications of pathogenicity. Review status: criteria provided, conflicting classifications (1 of 4 stars). 9 submissions from 9 submitters: Pathogenic (1); Likely pathogenic (5); Uncertain significance (1). 2 of the submissions do not count toward it. Last evaluated 2025-09-10.

Conditions:
PSAT1-related disorder. Also called: PSAT1-related condition; PSAT1-related disorders.
Neu-Laxova syndrome 2. Identifiers: Orphanet 2671, Orphanet 583602, MedGen C4015019, MONDO:0014466, OMIM 616038.
PSAT deficiency. Identifiers: Orphanet 284417, MedGen C1970253, MONDO:0012596, OMIM 610992.

Allele frequency attached by ClinVar (database versions not stated): ExAC 0.00008; gnomAD exomes 0.00016 and 0.00028; gnomAD 0.00019; TOPMed 0.00019.
gnomAD v4.1: 440 of 1,614,034 alleles (0.027%); highest among the groups gnomAD compares: Non-Finnish European, 0.034%; no homozygotes.

Submissions (9):

Genomic Medicine Center of Excellence, King Faisal Specialist Hospital and Research Centre
Classification: Likely pathogenic for PSAT deficiency. Last evaluated: 2025-09-10. Review status: criteria provided, single submitter. Criteria: ACMG Guidelines, 2015. Collection method: clinical testing. Allele origin: germline.

First Genomix Gene Laboratory, Genetic Diagnostics Department
Classification: Likely pathogenic for PSAT deficiency; Neu-Laxova syndrome 2. Last evaluated: 2025-04-11. Review status: criteria provided, single submitter. Criteria: ACMG Guidelines, 2015. Collection method: clinical testing. Allele origin: germline. Inheritance: Autosomal recessive inheritance. Affected: no. Observed: 1 variant allele.

Rady Children's Institute for Genomic Medicine, Rady Children's Hospital San Diego
Classification: Likely pathogenic for PSAT1-related disorders. Last evaluated: 2023-10-02. Review status: criteria provided, single submitter. Criteria: ACMG Guidelines, 2015. Collection method: clinical testing. Allele origin: germline. Affected: yes.
Comment: The c.296_297delinsTG (p.Ala99Val) variant affects a highly conserved amino acid and is predicted by multiple in silico tools to have a deleterious effect on protein function. The (p.Ala99Val) missense substitution has been previously reported as a compound heterozygous and homozygous change in patients with Neu-Laxova syndrome 2 (PMID: 25152457, 26960553, 30293248, 32579715, 35885441). Functional studies indicate this variant may lead to reduced phosphoserine aminotransferase activity (PMID: 32077105). The gnomAD population database is unreliable for the c.296_297delinsTG (p.Ala99Val) variant, however a similar variant, c.296C>T (p.Ala99Val), is present in the heterozygous state in the gnomAD population database at a frequency of 0.02% (43/282872), and is absent in the homozygous state, thus is presumed to be rare. Based on the available evidence, c.296_297delinsTG (p.Ala99Val) is classified as Likely Pathogenic.

Revvity Omics, Revvity
Classification: Likely pathogenic. Last evaluated: 2023-07-18. Review status: criteria provided, single submitter. Criteria: ACMG Guidelines, 2015. Collection method: clinical testing. Allele origin: germline.

Victorian Clinical Genetics Services, Murdoch Childrens Research Institute
Classification: Pathogenic for Neu-Laxova syndrome 2. Last evaluated: 2020-10-19. Review status: criteria provided, single submitter. Criteria: ACMG Guidelines, 2015. Collection method: clinical testing. Allele origin: germline. Inheritance: Autosomal recessive inheritance.
Comment: Based on the classification scheme VCGS_Germline_v1.3.3, this variant is classified as Pathogenic. Following criteria are met: 0102 - Loss of function is a known mechanism of disease in this gene and is associated with Neu-Laxova syndrome 2 (MIM#616038). (I) 0106 - This gene is associated with autosomal recessive disease. (I) 0200 - Variant is predicted to result in a missense amino acid change from alanine to valine. (I) 0251 - This variant is heterozygous. (I) 0304 - Variant is present in gnomAD v2 <0.01 for a recessive condition (43 heterozygotes, 0 homozygotes). (SP) 0502 - Missense variant with conflicting in silico predictions and uninformative conservation. (I) 0600 - Variant is located in the annotated aminotransferase class-V domain (PDB). (I) 0705 - No comparable missense variants have previous evidence for pathogenicity. (I) 0801 - This variant has strong previous evidence of pathogenicity in unrelated individuals. This variant has been reported as pathogenic and likely pathogenic, in multiple homozygous and compound heterozygous patients with Neu-Laxova syndrome. As a common polymorphism is sometimes found in cis with this variant, it has also been reported as c.296_297delinsTG (ClinVar, PMID: 25152457, PMID: 26960553; PMID: 30293248). (SP) 1002 - This variant has moderate functional evidence supporting abnormal protein function. Yeast growth assays demonstrate that this variant significantly impairs growth compared to wildtype (PMID: 32077105). (I) Legend: (SP) - Supporting pathogenic, (I) - Information, (SB) - Supporting benign

Genetic Services Laboratory, University of Chicago
Classification: Likely pathogenic. Last evaluated: 2017-06-20. Review status: criteria provided, single submitter. Criteria: ACMG Guidelines, 2015. Collection method: clinical testing. Allele origin: germline. Affected: yes.

GeneDx
Classification: Uncertain significance. Last evaluated: 2015-03-03. Review status: criteria provided, single submitter. Criteria: GeneDx Variant Classification Process June 2021. Collection method: clinical testing. Allele origin: germline. Affected: yes.
Comment: In silico analysis supports that this missense variant has a deleterious effect on protein structure/function; This variant is associated with the following publications: (PMID: 25152457, 26960553, 30214071, 32579715, 35885441, 32077105, 30293248)

OMIM
Classification: Pathogenic for NEU-LAXOVA SYNDROME 2. Last evaluated: 2014-09-04. Review status: no assertion criteria provided. Collection method: literature only. Allele origin: germline. Not counted in ClinVar's aggregate classification.

Dudley Research Group, Pacific Northwest Research Institute
No classification provided. Review status: no classification provided. Collection method: research, in vivo. Allele origin: unknown, not applicable. Functional consequence: loss_of_function_variant. Not counted in ClinVar's aggregate classification.

Literature cited by the submitters: PubMed 25152457 (cited by 3 submitters); 26960553 (cited by Rady Children's Institute for Genomic Medicine, Rady Children's Hospital San Diego); 30293248 (cited by Rady Children's Institute for Genomic Medicine, Rady Children's Hospital San Diego); 32579715 (cited by Rady Children's Institute for Genomic Medicine, Rady Children's Hospital San Diego); 35885441 (cited by Rady Children's Institute for Genomic Medicine, Rady Children's Hospital San Diego); 32077105 (cited by Rady Children's Institute for Genomic Medicine, Rady Children's Hospital San Diego); PubMed 26960553 (cited by Victorian Clinical Genetics Services, Murdoch Childrens Research Institute); PubMed 30293248 (cited by Victorian Clinical Genetics Services, Murdoch Childrens Research Institute); PubMed 32077105 (cited by Victorian Clinical Genetics Services, Murdoch Childrens Research Institute).